The following is an entry in ClinVar:

NM_001377265.1(MAPT):c.4G>T (p.Ala2Ser)

Gene: MAPT (microtubule associated protein tau). Cytogenetic location: 17q21.31.
Variant type: single nucleotide variant.
Coding change: c.4G>T on transcript NM_001377265.1 (MANE Select); coding-DNA position 4, G replaced by T.
Protein change: p.Ala2Ser; replaces alanine 2 with serine.
Molecular consequence: missense variant. On other transcripts: non-coding transcript variant (1).
Genome position (GRCh38, 1-based): chr17:45,962,341, G>T. VCF-style: chr17-45962341-G-T. GRCh37 (hg19) VCF-style: chr17-44039707-G-T.
Other names: c.4G>T, p.Ala2Ser (NM_001123066.4, NM_001123067.4, NM_001203251.2 and 8 more transcripts); short protein forms A2S.
Identifiers: ClinVar variation 2191596 (VCV002191596.4), dbSNP rs2509439219, ClinGen allele CA399898425.
Genomic context (GRCh38, chr17:45,962,341, plus strand): 5'-AACACTCCTCAGAACTTATCCTCTCCTCTTCTTTCCCCAGGTGAACTTTGAACCAGGATG[G>T]CTGAGCCCCGCCAGGAGTTCGAAGTGATGGAAGATCACGCTGGGACGTACGGGTTGGGGG-3'
Protein context (NP_001364194.1, residues 1-12): M[Ala2Ser]EPRQEFEVME

ClinVar aggregate classification (germline): Uncertain significance (1 of 4 stars; one submission).

Conditions:
Frontotemporal dementia (FTD1). Also called: Frontotemporal lobe dementia (FLDEM); FRONTOTEMPORAL DEMENTIA WITH PARKINSONISM; FRONTOTEMPORAL LOBE DEMENTIA; WILHELMSEN-LYNCH DISEASE; Dementia, frontotemporal, with or without parkinsonism; MULTIPLE SYSTEM TAUOPATHY WITH PRESENILE DEMENTIA. Identifiers: Orphanet 282, MedGen C0338451, MONDO:0017276, OMIM 600274, HP:0002145.

Submission:

Labcorp Genetics (formerly Invitae), Labcorp
Classification: Uncertain significance for Frontotemporal dementia. Last evaluated: 2022-04-18. Review status: criteria provided, single submitter. Criteria: Invitae Variant Classification Sherloc (09022015). Collection method: clinical testing. Allele origin: germline.
Comment: This variant has not been reported in the literature in individuals affected with MAPT-related conditions. This variant is not present in population databases (gnomAD no frequency). This sequence change replaces alanine, which is neutral and non-polar, with serine, which is neutral and polar, at codon 2 of the MAPT protein (p.Ala2Ser). In summary, the available evidence is currently insufficient to determine the role of this variant in disease. Therefore, it has been classified as a Variant of Uncertain Significance. Algorithms developed to predict the effect of missense changes on protein structure and function are either unavailable or do not agree on the potential impact of this missense change (SIFT: "Deleterious"; PolyPhen-2: "Probably Damaging"; Align-GVGD: "Class C0").